The following is an entry in ClinVar:

ClinVar aggregate classification (germline): Uncertain significance (1 of 4 stars; one submission).

Conditions:
Hawkinsinuria. Identifiers: Orphanet 2118, MedGen C2931042, MONDO:0007700, OMIM 140350, HP:0034457.
Tyrosinemia type III. Also called: 4-HYDROXYPHENYLPYRUVIC ACID OXIDASE DEFICIENCY; Tyrosinemia type 3; 4-alpha hydroxyphenylpyruvic acid oxidase deficiency; 4-alpha hydroxyphenylpyruvate dioxygenase deficiency; 4-Hydroxyphenylpyruvate dioxygenase deficiency. Identifiers: Orphanet 69723, MedGen C0268623, MONDO:0010162, OMIM 276710.

Allele frequency attached by ClinVar (database versions not stated): TOPMed 0.00007; ESP Exome Variant Server 0.00008; ExAC 0.00009; gnomAD exomes 0.00009 and 0.00011; gnomAD 0.00010; 1000 Genomes Project 0.00020; 1000 Genomes Project 30x 0.00031.
gnomAD v4.1: 172 of 1,614,076 alleles (0.011%); highest among the groups gnomAD compares: East Asian, 0.033%; no homozygotes.

Submission:

Labcorp Genetics (formerly Invitae), Labcorp
Classification: Uncertain significance for Tyrosinemia type III; Hawkinsinuria. Last evaluated: 2024-10-22. Review status: criteria provided, single submitter. Criteria: Invitae Variant Classification Sherloc (09022015). Collection method: clinical testing. Allele origin: germline.
Comment: This sequence change replaces isoleucine, which is neutral and non-polar, with threonine, which is neutral and polar, at codon 314 of the HPD protein (p.Ile314Thr). This variant is present in population databases (rs376100037, gnomAD 0.03%). This variant has not been reported in the literature in individuals affected with HPD-related conditions. ClinVar contains an entry for this variant (Variation ID: 971764). Invitae Evidence Modeling of protein sequence and biophysical properties (such as structural, functional, and spatial information, amino acid conservation, physicochemical variation, residue mobility, and thermodynamic stability) indicates that this missense variant is not expected to disrupt HPD protein function with a negative predictive value of 80%. In summary, the available evidence is currently insufficient to determine the role of this variant in disease. Therefore, it has been classified as a Variant of Uncertain Significance.

NM_002150.3(HPD):c.941T>C (p.Ile314Thr)

Genes: HPD (4-hydroxyphenylpyruvate dioxygenase; minus strand), TIALD (transcript inducer of AURKA lysosomal degradation; plus strand). Cytogenetic location: 12q24.31.
Variant type: single nucleotide variant.
Coding change: c.941T>C on transcript NM_002150.3 (MANE Select); coding-DNA position 941, T replaced by C.
Protein change: p.Ile314Thr; replaces isoleucine 314 with threonine.
Molecular consequence: missense variant.
Genome position (GRCh38, 1-based): chr12:121,843,723, A>G on the plus strand (T>C on the coding strand, the complement: HPD is on the minus strand). VCF-style: chr12-121843723-A-G. GRCh37 (hg19) VCF-style: chr12-122281629-A-G.
Other names: c.824T>C, p.Ile275Thr (NM_001171993.2); short protein forms I275T, I314T.
Identifiers: ClinVar variation 971764 (VCV000971764.8), dbSNP rs376100037, ClinGen allele CA6839481.